The following is an entry in ClinVar:

ClinVar aggregate classification (germline): Uncertain significance (1 of 4 stars; one submission).

Submission:

CeGaT Center for Human Genetics Tuebingen
Classification: Uncertain significance. Last evaluated: 2025-07-01. Review status: criteria provided, single submitter. Criteria: CeGaT Center For Human Genetics Tuebingen Variant Classification Criteria Version 2. Collection method: clinical testing. Allele origin: germline. Affected: yes. Observed: 1 variant allele.
Comment: FAM20A: PM2, PM4:Supporting

NM_017565.4(FAM20A):c.1160ACA[2] (p.Asn389del)

Genes: FAM20A (FAM20A golgi associated secretory pathway pseudokinase; minus strand), PRKAR1A (protein kinase cAMP-dependent type I regulatory subunit alpha; plus strand). Cytogenetic location: 17q24.2.
Variant type: Microsatellite.
Coding change: c.1160ACA[2] on transcript NM_017565.4 (MANE Select); two copies in a row of the 3-base unit ACA starting at c.1160; the reference has three copies in a row; one copy, 3 bases deleted.
Protein change: p.Asn389del; deletes asparagine 389.
Molecular consequence: inframe deletion. On other transcripts: non-coding transcript variant (1), intron variant (1).
Genome position (GRCh38, 1-based): chr17:68,540,900-68,540,902, TGT deleted on the plus strand (ACA on the coding strand, the reverse complement: FAM20A is on the minus strand); deleting any 3 consecutive bases within chr17:68,540,900-68,540,908 gives the same sequence; the position shown is the placement nearest the transcript's 3' end. VCF-style (leftmost placement, unchanged base first): chr17-68540899-CTGT-C. GRCh37 (hg19) VCF-style: chr17-66537040-CTGT-C.
Other names: c.746ACA[2], p.Asn251del (NM_001243746.2); c.974-10184TGT[2] (NM_001276290.1); short protein forms N251del, N389del.
Identifiers: ClinVar variation 4084172 (VCV004084172.8).